The following is an entry in ClinVar:

NM_002303.6(LEPR):c.2674-5988T>C

Gene: LEPR (leptin receptor; plus strand). Cytogenetic location: 1p31.3.
Variant type: single nucleotide variant.
Coding change: c.2674-5988T>C on transcript NM_002303.6 (MANE Select); 5988 bases into the intron before coding-DNA position 2674, T replaced by C.
Molecular consequence: intron variant. On other transcripts: missense variant (2).
Genome position (GRCh38, 1-based): chr1:65,630,203, T>C. VCF-style: chr1-65630203-T-C. GRCh37 (hg19) VCF-style: chr1-66095886-T-C.
Other names: c.2675T>C, p.Met892Thr (NM_001003680.3, NM_001198687.2); c.2674-2949T>C (NM_001003679.3, NM_001198689.2); short protein forms M892T.
Identifiers: ClinVar variation 4982818 (VCV004982818.1).

ClinVar aggregate classification (germline): Uncertain significance (1 of 4 stars; one submission).

Conditions:
LEPR-related disorder. Also called: LEPR-related condition; LEPR-related disorders.

Submission:

PreventionGenetics, part of Exact Sciences
Classification: Uncertain significance for LEPR-related condition. Last evaluated: 2025-10-09. Review status: criteria provided, single submitter. Criteria: ACMG Guidelines, 2015. Collection method: clinical testing. Allele origin: germline.
Comment: The LEPR c.2675T>C variant is predicted to result in the amino acid substitution p.Met892Thr. This variant is deep intronic in an alternative transcript NM_002303:c.2674-5988T>C. To our knowledge, this variant has not been reported in the literature or in a large population database (gnomAD), indicating this variant is rare. At this time, the clinical significance of this variant is uncertain due to the absence of conclusive functional and genetic evidence.